The following is an entry in ClinVar:

NM_000198.4(HSD3B2):c.745C>T (p.Arg249Ter)

Gene: HSD3B2 (hydroxy-delta-5-steroid dehydrogenase, 3 beta- and steroid delta-isomerase 2; plus strand). Cytogenetic location: 1p12.
Variant type: single nucleotide variant.
Coding change: c.745C>T on transcript NM_000198.4 (MANE Select); coding-DNA position 745, C replaced by T.
Protein change: p.Arg249Ter; replaces arginine 249 with a stop codon.
Molecular consequence: nonsense.
Genome position (GRCh38, 1-based): chr1:119,422,246, C>T. VCF-style: chr1-119422246-C-T. GRCh37 (hg19) VCF-style: chr1-119964869-C-T.
Other names: c.745C>T, p.Arg249Ter (NM_001166120.2); c.745C>T (NM_001166120.1); short protein forms R249*.
Identifiers: ClinVar variation 12187 (VCV000012187.14), dbSNP rs80358217, ClinGen allele CA121925.

ClinVar aggregate classification (germline): Pathogenic/Likely pathogenic. Review status: criteria provided, multiple submitters, no conflicts (2 of 4 stars). 7 submissions from 7 submitters: Pathogenic (6); Likely pathogenic (1). Last evaluated 2025-11-10.

Conditions:
HSD3B2-related disorders.
Congenital adrenal hyperplasia. Identifiers: Orphanet 418, MedGen C0001627, MONDO:0018479, HP:0008258.
3 beta-Hydroxysteroid dehydrogenase deficiency. Also called: Congenital adrenal hyperplasia due to 3-beta-hydroxysteroid dehydrogenase deficiency; 3-BETA-HSD DEFICIENCY; ADRENAL HYPERPLASIA II; ADRENAL HYPERPLASIA, CONGENITAL, DUE TO 3-BETA-HYDROXYSTEROID DEHYDROGENASE 2 DEFICIENCY; 3b-hydroxysteroid dehydrogenase deficiency. Identifiers: Orphanet 90791, MedGen C0342471, MeSH C538236, MONDO:0008727, OMIM 201810. Disease mechanism: loss of function.

Allele frequency attached by ClinVar (database versions not stated): gnomAD exomes 0.00006 and 0.00002; ExAC 0.00002; TOPMed 0.00003; gnomAD 0.00005.
gnomAD v4.1: 104 of 1,613,908 alleles (0.0064%); highest among the groups gnomAD compares: East Asian, 0.0089%; no homozygotes.

Submissions (7):

Natera, Inc.
Classification: Pathogenic for 3 beta hydroxysteroid dehydrogenase deficiency. Last evaluated: 2025-11-10. Review status: criteria provided, single submitter. Criteria: Natera Variant Classification Schema (03/2026). Collection method: clinical testing. Allele origin: germline.
Comment: The c.745C>T variant in HSD3B2 is a nonsense variant predicted to introduce a stop codon at amino acid 249. This variant is expected to result in nonsense mediated decay, truncation, or a dysfunctional protein product. This variant is rare in the general population with a frequency below the threshold expected for the associated phenotype(s). This variant has been observed in one or more individuals affected with the associated recessive disease, as either homozygous or compound heterozygous with a second variant (PMID: 7633460). Given the available evidence, this variant is classified as Pathogenic.

GeneDx
Classification: Likely pathogenic. Last evaluated: 2025-05-28. Review status: criteria provided, single submitter. Criteria: GeneDx Variant Classification Process June 2021. Collection method: clinical testing. Allele origin: germline. Affected: yes.
Comment: Nonsense variant predicted to result in protein truncation, as the last 124 amino acid(s) are lost, and other loss-of-function variants have been reported downstream in HGMD; This variant is associated with the following publications: (PMID: 24082139, 7633460, 32506065, 12608938, 37586839, Tuba2021[abstract], 10651755, 1825279, 8284113, Danesh2016[abstract])

Labcorp Genetics (formerly Invitae), Labcorp
Classification: Pathogenic. Last evaluated: 2024-12-03. Review status: criteria provided, single submitter. Criteria: Invitae Variant Classification Sherloc (09022015). Collection method: clinical testing. Allele origin: germline.
Comment: This sequence change creates a premature translational stop signal (p.Arg249*) in the HSD3B2 gene. While this is not anticipated to result in nonsense mediated decay, it is expected to disrupt the last 124 amino acid(s) of the HSD3B2 protein. This variant is present in population databases (rs80358217, gnomAD 0.008%). This premature translational stop signal has been observed in individuals with clinical features of congenital adrenal hyperplasia (PMID: 7633460). ClinVar contains an entry for this variant (Variation ID: 12187). This variant disrupts the C-terminus of the HSD3B2 protein, which has been demonstrated to be critical for enzymatic activity (PMID: 1825279). While functional studies have not been performed to directly test the effect of this variant on HSD3B2 protein function, this suggests that disruption of this region of the protein is causative of disease. For these reasons, this variant has been classified as Pathogenic.

Women's Health and Genetics/Laboratory Corporation of America, LabCorp
Classification: Pathogenic for Congenital adrenal hyperplasia. Last evaluated: 2024-08-01. Review status: criteria provided, single submitter. Criteria: LabCorp Variant Classification Summary - May 2015. Collection method: clinical testing. Allele origin: germline.
Comment: Variant summary: HSD3B2 c.745C>T (p.Arg249X) results in a premature termination codon, predicted to cause a truncation of the encoded protein. This protein is not predicted to undergo nonsense mediated decay, however downstream pathogenic variants have been observed in our laboratory. The variant allele was found at a frequency of 2e-05 in 250718 control chromosomes. c.745C>T has been reported in the literature in individuals affected with Congenital Adrenal Hyperplasia (e.g. Chang_1993, Pang_2003, Tajima_1995). These data indicate that the variant is likely to be associated with disease. To our knowledge, no experimental evidence demonstrating an impact on protein function has been reported. The following publications have been ascertained in the context of this evaluation (PMID: 8284113, 10651755, 12608938, 7633460). ClinVar contains an entry for this variant (Variation ID: 12187). Based on the evidence outlined above, the variant was classified as pathogenic.

Fulgent Genetics
Classification: Pathogenic for 3 beta-Hydroxysteroid dehydrogenase deficiency. Last evaluated: 2024-03-25. Review status: criteria provided, single submitter. Criteria: ACMG Guidelines, 2015. Collection method: clinical testing. Allele origin: germline.

Clinical Biochemistry Laboratory, Health Services Laboratory
Classification: Pathogenic for 3 beta-Hydroxysteroid dehydrogenase deficiency. Last evaluated: 2023-11-20. Review status: criteria provided, single submitter. Criteria: ACMG Guidelines, 2015. Collection method: clinical testing. Allele origin: germline. Affected: yes.
Comment: ACMG:PVS1 PM2 PP3 PP4

Blueprint Genetics
Classification: Pathogenic for HSD3B2-related disorders. Last evaluated: 2020-08-12. Review status: criteria provided, single submitter. Criteria: ACMG Guidelines, 2015. Collection method: clinical testing. Allele origin: germline. Affected: yes. Observed: 4 variant alleles.

Literature cited by the submitters: PubMed 7633460 (cited by 3 submitters); PubMed 1825279 (cited by Labcorp Genetics (formerly Invitae), Labcorp); PubMed 8284113 (cited by Women's Health and Genetics/Laboratory Corporation of America, LabCorp); PubMed 12608938 (cited by Women's Health and Genetics/Laboratory Corporation of America, LabCorp); PubMed 18252794 (cited by Women's Health and Genetics/Laboratory Corporation of America, LabCorp); PubMed 10651755 (cited by Women's Health and Genetics/Laboratory Corporation of America, LabCorp); PubMed 32506065 (cited by Clinical Biochemistry Laboratory, Health Services Laboratory).